The following is an entry in ClinVar:

NM_015028.4(TNIK):c.1818C>T (p.Thr606=)

Gene: TNIK (TRAF2 and NCK interacting kinase; minus strand). Cytogenetic location: 3q26.2.
Variant type: single nucleotide variant.
Coding change: c.1818C>T on transcript NM_015028.4 (MANE Select); coding-DNA position 1818, C replaced by T.
Protein change: p.Thr606=; no amino-acid change (threonine 606 retained).
Molecular consequence: synonymous variant.
Genome position (GRCh38, 1-based): chr3:171,126,107, G>A on the plus strand (C>T on the coding strand, the complement: TNIK is on the minus strand). VCF-style: chr3-171126107-G-A. GRCh37 (hg19) VCF-style: chr3-170843896-G-A.
Other names: c.1818C>T, p.Thr606= (NM_001161560.3); c.1731C>T, p.Thr577= (NM_001161561.3, NM_001161562.3); c.1653C>T, p.Thr551= (NM_001161563.3, NM_001161564.3); c.1566C>T, p.Thr522= (NM_001161565.3, NM_001161566.3).
Identifiers: ClinVar variation 2654275 (VCV002654275.24), dbSNP rs779458498, ClinGen allele CA2703392.

ClinVar aggregate classification (germline): Likely benign (1 of 4 stars; one submission).

Allele frequency attached by ClinVar (database versions not stated): gnomAD exomes 0.00002; ExAC 0.00003; gnomAD 0.00003; TOPMed 0.00009.
gnomAD v4.1: 41 of 1,571,092 alleles (0.0026%); highest among the groups gnomAD compares: Middle Eastern, 0.1%; no homozygotes.

Submission:

CeGaT Center for Human Genetics Tuebingen
Classification: Likely benign. Last evaluated: 2022-03-01. Review status: criteria provided, single submitter. Criteria: CeGaT Center For Human Genetics Tuebingen Variant Classification Criteria Version 2. Collection method: clinical testing. Allele origin: germline. Affected: yes. Observed: 1 variant allele.
Comment: TNIK: BP4, BP7